The following is an entry in ClinVar:

ClinVar aggregate classification (germline): Pathogenic (1 of 4 stars; one submission).

Submission:

Labcorp Genetics (formerly Invitae), Labcorp
Classification: Pathogenic. Last evaluated: 2022-03-28. Review status: criteria provided, single submitter. Criteria: Invitae Variant Classification Sherloc (09022015). Collection method: clinical testing. Allele origin: germline.
Comment: For these reasons, this variant has been classified as Pathogenic. This variant has not been reported in the literature in individuals affected with PCARE-related conditions. This variant is not present in population databases (gnomAD no frequency). This sequence change creates a premature translational stop signal (p.Leu481Glnfs*2) in the PCARE gene. It is expected to result in an absent or disrupted protein product. Loss-of-function variants in PCARE are known to be pathogenic (PMID: 20398886, 24339724, 26496393).

Literature cited by the submitters: PubMed 20398886; PubMed 24339724; PubMed 26496393.

NM_001029883.3(PCARE):c.1442_1443del (p.Leu481fs)

Gene: PCARE (photoreceptor cilium actin regulator; minus strand). Cytogenetic location: 2p23.2.
Variant type: Deletion.
Coding change: c.1442_1443del on transcript NM_001029883.3 (MANE Select); coding-DNA positions 1442 to 1443, 2 bases deleted (TT; older notation c.1442_1443delTT).
Protein change: p.Leu481fs; shifts the reading frame from leucine 481.
Molecular consequence: frameshift variant.
Genome position (GRCh38, 1-based): chr2:29,072,819-29,072,820, AA deleted on the plus strand (TT on the coding strand, the reverse complement: PCARE is on the minus strand). VCF-style (leftmost placement, unchanged base first): chr2-29072818-TAA-T. GRCh37 (hg19) VCF-style: chr2-29295684-TAA-T.
Other names: short protein forms L481fs.
Identifiers: ClinVar variation 1943769 (VCV001943769.5), dbSNP rs2465277568, ClinGen allele CA2580066395.